The following is an entry in ClinVar:

ClinVar aggregate classification (germline): Conflicting classifications of pathogenicity. Review status: criteria provided, conflicting classifications (1 of 4 stars). 19 submissions from 17 submitters: Uncertain significance (3); Benign (4); Likely benign (7). 5 of the submissions do not count toward it. Last evaluated 2026-01-27.

Conditions:
Cardiovascular phenotype. Identifiers: MedGen CN230736.
Arrhythmogenic cardiomyopathy with wooly hair and keratoderma. Also called: Dilated cardiomyopathy with woolly hair and keratoderma; Carvajal syndrome; PALMOPLANTAR KERATODERMA WITH LEFT VENTRICULAR CARDIOMYOPATHY AND WOOLLY HAIR; Arrhythmogenic cardiomyopathy with woolly hair and keratoderma. Identifiers: Orphanet 65282, MedGen C1854063, MONDO:0011581, OMIM 605676.
Arrhythmogenic right ventricular dysplasia 8 (ARVD8). Also called: Arrhythmogenic Right Ventricular Dysplasia/Cardiomyopathy 8; ARRHYTHMOGENIC RIGHT VENTRICULAR DYSPLASIA, FAMILIAL, 8; ARRHYTHMOGENIC RIGHT VENTRICULAR CARDIOMYOPATHY 8. Identifiers: MedGen C1843896, MONDO:0011831, OMIM 607450.
Cardiomyopathy (CMYO). Also called: Cardiomyopathies. Identifiers: Orphanet 167848, MedGen C0878544, MONDO:0004994, HP:0001638. Inheritance: Various modes of inheritance.
Lethal acantholytic epidermolysis bullosa (EBLA). Identifiers: Orphanet 158687, MedGen C1864826, MONDO:0012323, OMIM 609638.
Woolly hair-skin fragility syndrome (WHSF). Identifiers: Orphanet 293165, MedGen C1843292, MONDO:0957307, OMIM 620415.

Allele frequency attached by ClinVar (database versions not stated): 1000 Genomes Project 30x 0.00031; 1000 Genomes Project 0.00040; TOPMed 0.00071; ESP Exome Variant Server 0.00077; gnomAD exomes 0.00122 and 0.00123; gnomAD 0.00133 and 0.00139; ExAC 0.00143.
gnomAD v4.1: 1,983 of 1,614,134 alleles (0.12%); highest among the groups gnomAD compares: Non-Finnish European, 0.13%; 3 homozygotes.

Submissions (19):

Labcorp Genetics (formerly Invitae), Labcorp
Classification: Benign for Arrhythmogenic cardiomyopathy with wooly hair and keratoderma; Arrhythmogenic right ventricular dysplasia 8. Last evaluated: 2026-01-27. Review status: criteria provided, single submitter. Criteria: Invitae Variant Classification Sherloc (09022015). Collection method: clinical testing. Allele origin: germline.

CeGaT Center for Human Genetics Tuebingen
Classification: Likely benign. Last evaluated: 2025-11-01. Review status: criteria provided, single submitter. Criteria: CeGaT Center For Human Genetics Tuebingen Variant Classification Criteria Version 2. Collection method: clinical testing. Allele origin: germline. Affected: yes. Observed: 4 variant alleles.
Comment: DSP: BP4, BP7

Molecular Diagnostic Laboratory for Inherited Cardiovascular Disease, Montreal Heart Institute
Classification: Likely benign. Last evaluated: 2025-02-17. Review status: criteria provided, single submitter. Criteria: ACMG Guidelines, 2015. Collection method: clinical testing. Allele origin: germline. Affected: no.

Blueprint Genetics
Classification: Likely benign. Last evaluated: 2024-11-25. Review status: criteria provided, single submitter. Criteria: ACMG Guidelines, 2015. Collection method: clinical testing. Allele origin: germline.

Mayo Clinic Laboratories, Mayo Clinic
Classification: Benign. Last evaluated: 2023-08-09. Review status: criteria provided, single submitter. Criteria: ACMG Guidelines, 2015. Collection method: clinical testing. Allele origin: germline. Observed: 5 variant alleles.
Comment: BS1, BS2, BP4, BP7

ARUP Laboratories, Molecular Genetics and Genomics, ARUP Laboratories
Classification: Likely benign. Last evaluated: 2020-02-26. Review status: criteria provided, single submitter. Criteria: ARUP Molecular Germline Variant Investigation Process. Collection method: clinical testing. Allele origin: germline.

Color Diagnostics, LLC DBA Color Health
Classification: Likely benign for Cardiomyopathy. Last evaluated: 2018-03-14. Review status: criteria provided, single submitter. Criteria: ACMG Guidelines, 2015. Collection method: clinical testing. Allele origin: germline.

Illumina Laboratory Services, Illumina
Classification: Uncertain significance for Arrhythmogenic cardiomyopathy with wooly hair and keratoderma. Last evaluated: 2018-01-12. Review status: criteria provided, single submitter. Criteria: ICSL Variant Classification Criteria 13 December 2019. Collection method: clinical testing. Allele origin: germline.

Illumina Laboratory Services, Illumina
Classification: Uncertain significance for Lethal acantholytic epidermolysis bullosa. Last evaluated: 2018-01-12. Review status: criteria provided, single submitter. Criteria: ICSL Variant Classification Criteria 13 December 2019. Collection method: clinical testing. Allele origin: germline.

Illumina Laboratory Services, Illumina
Classification: Uncertain significance for Arrhythmogenic right ventricular dysplasia 8. Last evaluated: 2018-01-12. Review status: criteria provided, single submitter. Criteria: ICSL Variant Classification Criteria 13 December 2019. Collection method: clinical testing. Allele origin: germline.

Women's Health and Genetics/Laboratory Corporation of America, LabCorp
Classification: Benign. Last evaluated: 2017-04-10. Review status: criteria provided, single submitter. Criteria: LabCorp Variant Classification Summary - May 2015. Collection method: clinical testing. Allele origin: germline.
Comment: Variant summary: The DSP c.6678T>A (p.Gly2226Gly) variant involves the alteration of a non-conserved nucleotide, resulting in a synonymous change. One in silico tool predicts a damaging outcome for this variant. 5/5 splice prediction tools predict no significant impact on normal splicing. However, these predictions have yet to be confirmed by functional studies. This variant was found in 174/121392 control chromosomes (1 homozygote) at a frequency of 0.0014334, which is approximately 57 times the estimated maximal expected allele frequency of a pathogenic DSP variant (0.000025), suggesting this variant is likely a benign polymorphism. Multiple clinical diagnostic laboratories/reputable databases as well as a publication classified this variant as likely benign/benign. Taken together, this variant is classified as benign.

Ambry Genetics
Classification: Likely benign for Cardiovascular phenotype. Last evaluated: 2015-07-23. Review status: criteria provided, single submitter. Criteria: Ambry Variant Classification Scheme 2023. Collection method: clinical testing. Allele origin: germline.

GeneDx
Classification: Benign. Last evaluated: 2015-03-03. Review status: criteria provided, single submitter. Criteria: GeneDx Variant Classification Process June 2021. Collection method: clinical testing. Allele origin: germline. Affected: yes.

Laboratory for Molecular Medicine, Mass General Brigham Personalized Medicine
Classification: Likely benign. Last evaluated: 2012-03-19. Review status: criteria provided, single submitter. Criteria: LMM Criteria. Collection method: clinical testing. Allele origin: germline. Observed: 6 variant alleles.
Comment: p.Gly2226Gly in exon 24 of DSP: This variant is not expected to have clinical si gnificance because it does not alter an amino acid residue and is not located wi thin the splice consensus sequence. It has been identified in 0.1% (9/7020) of E uropean American chromosomes from a broad population by the NHLBI Exome Sequenci ng Project (dbSNP rs149070106).

Clinical Genetics DNA and cytogenetics Diagnostics Lab, Erasmus MC, Erasmus Medical Center
Classification: Likely benign. Review status: no assertion criteria provided. Collection method: clinical testing. Allele origin: germline. Affected: yes. Study: VKGL Data-share Consensus. Not counted in ClinVar's aggregate classification.

Clinical Genetics, Academic Medical Center
Classification: Benign. Review status: no assertion criteria provided. Collection method: clinical testing. Allele origin: germline. Affected: yes. Study: VKGL Data-share Consensus. Not counted in ClinVar's aggregate classification.

Diagnostic Laboratory, Department of Genetics, University Medical Center Groningen
Classification: Likely benign. Review status: no assertion criteria provided. Collection method: clinical testing. Allele origin: germline. Affected: yes. Study: VKGL Data-share Consensus. Not counted in ClinVar's aggregate classification.

Genome Diagnostics Laboratory, University Medical Center Utrecht
Classification: Benign. Review status: no assertion criteria provided. Collection method: clinical testing. Allele origin: germline. Affected: yes. Study: VKGL Data-share Consensus. Not counted in ClinVar's aggregate classification.

Joint Genome Diagnostic Labs from Nijmegen and Maastricht, Radboudumc and MUMC+
Classification: Benign. Review status: no assertion criteria provided. Collection method: clinical testing. Allele origin: germline. Affected: yes. Study: VKGL Data-share Consensus. Not counted in ClinVar's aggregate classification.

Literature cited by the submitters: PubMed 24503780 (cited by Women's Health and Genetics/Laboratory Corporation of America, LabCorp).

NM_004415.4(DSP):c.6678T>A (p.Gly2226=)

Gene: DSP (desmoplakin; plus strand). Cytogenetic location: 6p24.3.
Variant type: single nucleotide variant.
Coding change: c.6678T>A on transcript NM_004415.4 (MANE Select); coding-DNA position 6678, T replaced by A.
Protein change: p.Gly2226=; no amino-acid change (glycine 2226 retained).
Molecular consequence: synonymous variant.
Genome position (GRCh38, 1-based): chr6:7,583,940, T>A. VCF-style: chr6-7583940-T-A. GRCh37 (hg19) VCF-style: chr6-7584173-T-A.
Other names: p.Gly2226=; c.4881T>A, p.Gly1627= (NM_001008844.3); c.5349T>A, p.Gly1783= (NM_001319034.2); c.6678T>A (NM_004415.3).
Identifiers: ClinVar variation 44941 (VCV000044941.80), dbSNP rs149070106, ClinGen allele CA007013.